The following is an entry in ClinVar:

NM_198173.3(GRHL3):c.1431G>A (p.Ser477=)

Gene: GRHL3 (grainyhead like transcription factor 3; plus strand). Cytogenetic location: 1p36.11.
Variant type: single nucleotide variant.
Coding change: c.1431G>A on transcript NM_198173.3 (MANE Select); coding-DNA position 1431, G replaced by A.
Protein change: p.Ser477=; no amino-acid change (serine 477 retained).
Molecular consequence: synonymous variant.
Genome position (GRCh38, 1-based): chr1:24,344,908, G>A. VCF-style: chr1-24344908-G-A. GRCh37 (hg19) VCF-style: chr1-24671398-G-A.
Other names: c.1293G>A, p.Ser431= (NM_001195010.2); c.1446G>A, p.Ser482= (NM_021180.4); c.1431G>A, p.Ser477= (NM_198174.3).
Identifiers: ClinVar variation 3030352 (VCV003030352.2), dbSNP rs376734823, ClinGen allele CA690223.
Genomic context (GRCh38, chr1:24,344,908, plus strand): 5'-TCTCATTTTCCTGCGTGTGATGGAAAATGTCTTTTTCACTTCATTGCAGGCAGCCCCCTC[G>A]GCAGGACCCAGCAGCTCCAACAGGTATGGAGAGAAACAACCACACGCCTCCCTCCACACC-3'
Protein context (NP_937816.1, residues 467-487): SLQRSGGAAP[Ser477=]AGPSSSNRLP

ClinVar aggregate classification (germline): Likely benign (0 of 4 stars; one submission).

Conditions:
GRHL3-related disorder. Also called: GRHL3-related condition.

Allele frequency attached by ClinVar (database versions not stated): gnomAD exomes 0.00002; gnomAD 0.00003; ExAC 0.00004; TOPMed 0.00005; ESP Exome Variant Server 0.00008.
gnomAD v4.1: 29 of 1,613,302 alleles (0.0018%); highest among the groups gnomAD compares: East Asian, 0.011%; no homozygotes.

Submission:

PreventionGenetics, part of Exact Sciences
Classification: Likely benign for GRHL3-related condition. Last evaluated: 2021-08-19. Review status: no assertion criteria provided. Collection method: clinical testing. Allele origin: germline.
Comment: This variant is classified as likely benign based on ACMG/AMP sequence variant interpretation guidelines (Richards et al. 2015 PMID: 25741868, with internal and published modifications).